The following is an entry in ClinVar:

ClinVar aggregate classification (germline): Uncertain significance. Review status: criteria provided, multiple submitters, no conflicts (2 of 4 stars). 2 submissions from 2 submitters: Uncertain significance (2). Last evaluated 2025-06-12.

Allele frequency attached by ClinVar (database versions not stated): gnomAD 0.00001; TOPMed 0.00003.
gnomAD v4.1: 37 of 1,613,688 alleles (0.0023%); highest among the groups gnomAD compares: Non-Finnish European, 0.0028%; no homozygotes.

Submissions (2):

Labcorp Genetics (formerly Invitae), Labcorp
Classification: Uncertain significance. Last evaluated: 2025-06-12. Review status: criteria provided, single submitter. Criteria: Invitae Variant Classification Sherloc (09022015). Collection method: clinical testing. Allele origin: germline.
Comment: This sequence change replaces alanine, which is neutral and non-polar, with serine, which is neutral and polar, at codon 1172 of the SPTA1 protein (p.Ala1172Ser). The frequency data for this variant in the population databases is considered unreliable, as metrics indicate poor data quality at this position in the gnomAD database. This variant has not been reported in the literature in individuals affected with SPTA1-related conditions. ClinVar contains an entry for this variant (Variation ID: 1897854). Invitae Evidence Modeling of protein sequence and biophysical properties (such as structural, functional, and spatial information, amino acid conservation, physicochemical variation, residue mobility, and thermodynamic stability) has been performed for this missense variant. However, the output from this modeling did not meet the statistical confidence thresholds required to predict the impact of this variant on SPTA1 protein function. In summary, the available evidence is currently insufficient to determine the role of this variant in disease. Therefore, it has been classified as a Variant of Uncertain Significance.

Revvity Omics, Revvity
Classification: Uncertain significance. Last evaluated: 2024-09-09. Review status: criteria provided, single submitter. Criteria: ACMG Guidelines, 2015. Collection method: clinical testing. Allele origin: germline.

NM_003126.4(SPTA1):c.3514G>T (p.Ala1172Ser)

Gene: SPTA1 (spectrin alpha, erythrocytic 1; minus strand). Cytogenetic location: 1q23.1.
Variant type: single nucleotide variant.
Coding change: c.3514G>T on transcript NM_003126.4 (MANE Select); coding-DNA position 3514, G replaced by T.
Protein change: p.Ala1172Ser; replaces alanine 1172 with serine.
Molecular consequence: missense variant.
Genome position (GRCh38, 1-based): chr1:158,649,911, C>A on the plus strand (G>T on the coding strand, the complement: SPTA1 is on the minus strand). VCF-style: chr1-158649911-C-A. GRCh37 (hg19) VCF-style: chr1-158619701-C-A.
Other names: short protein forms A1172S.
Identifiers: ClinVar variation 1897854 (VCV001897854.6), dbSNP rs767818064, ClinGen allele CA1183028.
Genomic context (GRCh38, chr1:158,649,911, plus strand): 5'-ATTACCTGTGAAACACTTCAACAGCATGGGCACTGCCCAGCAGCTGCCGCTGTTCATCTG[C>A]AAGCCTCTGCAAAGAACCCCAGCGGGAATTCAATTCCTAAAAGAGGCAAAAACATCAGAC-3'
Protein context (NP_003117.2, residues 1162-1182): NSRWGSLQRL[Ala1172Ser]DEQRQLLGSA